The following is an entry in ClinVar:

NM_177438.3(DICER1):c.3791C>T (p.Thr1264Met)

Gene: DICER1 (dicer 1, ribonuclease III; minus strand). Cytogenetic location: 14q32.13.
Variant type: single nucleotide variant.
Coding change: c.3791C>T on transcript NM_177438.3 (MANE Select); coding-DNA position 3791, C replaced by T.
Protein change: p.Thr1264Met; replaces threonine 1264 with methionine.
Molecular consequence: missense variant.
Genome position (GRCh38, 1-based): chr14:95,103,605, G>A on the plus strand (C>T on the coding strand, the complement: DICER1 is on the minus strand). VCF-style: chr14-95103605-G-A. GRCh37 (hg19) VCF-style: chr14-95569942-G-A.
Other names: c.3791C>T, p.Thr1264Met (NM_001195573.1, NM_001271282.3, NM_001291628.2 and 1 more transcripts); short protein forms T1264M.
Identifiers: ClinVar variation 412097 (VCV000412097.23), dbSNP rs139346443, ClinGen allele CA7330989.

ClinVar aggregate classification (germline): Conflicting classifications of pathogenicity. Review status: criteria provided, conflicting classifications (1 of 4 stars). 6 submissions from 6 submitters: Uncertain significance (5); Likely benign (1). Last evaluated 2026-01-31.

Conditions:
Hereditary cancer-predisposing syndrome. Also called: Hereditary neoplastic syndrome; Tumor predisposition; Hereditary Cancer Syndrome; Neoplastic Syndromes, Hereditary. Identifiers: Orphanet 140162, MedGen C0027672, MeSH D009386, MONDO:0015356.
Global developmental delay - lung cysts - overgrowth - Wilms tumor syndrome. Also called: GLOBAL DEVELOPMENTAL DELAY, LUNG CYSTS, OVERGROWTH, AND WILMS TUMOR; GLOW Syndrome. Identifiers: Orphanet 404476, MedGen C4748924, MONDO:0018445, OMIM 618272.
DICER1-related tumor predisposition. Also called: DICER1 syndrome; DICER1-related pleuropulmonary blastoma cancer predisposition syndrome. Identifiers: Orphanet 284343, MedGen C3839822, MONDO:0100216.

Allele frequency attached by ClinVar (database versions not stated): gnomAD 0.00010; TOPMed 0.00012; 1000 Genomes Project 30x 0.00016; ExAC 0.00002; ESP Exome Variant Server 0.00008; gnomAD exomes 0.00002; 1000 Genomes Project 0.00020.
gnomAD v4.1: 44 of 1,614,164 alleles (0.0027%); highest among the groups gnomAD compares: African/African-American, 0.013%; no homozygotes.

Submissions (6):

Labcorp Genetics (formerly Invitae), Labcorp
Classification: Likely benign for DICER1-related tumor predisposition. Last evaluated: 2026-01-31. Review status: criteria provided, single submitter. Criteria: Invitae Variant Classification Sherloc (09022015). Collection method: clinical testing. Allele origin: germline.

Ambry Genetics
Classification: Uncertain significance for Hereditary cancer-predisposing syndrome. Last evaluated: 2025-11-20. Review status: criteria provided, single submitter. Criteria: Ambry Variant Classification Scheme 2023. Collection method: clinical testing. Allele origin: germline.

Center for Genomic Medicine, Rigshospitalet, Copenhagen University Hospital
Classification: Uncertain significance. Last evaluated: 2025-03-04. Review status: criteria provided, single submitter. Criteria: ACMG Guidelines, 2015. Collection method: clinical testing. Allele origin: germline.

GeneDx
Classification: Uncertain significance. Last evaluated: 2024-08-21. Review status: criteria provided, single submitter. Criteria: GeneDx Variant Classification Process June 2021. Collection method: clinical testing. Allele origin: germline.
Comment: In silico analysis indicates that this missense variant does not alter protein structure/function; Has not been previously published as pathogenic or benign to our knowledge

Baylor Genetics
Classification: Uncertain significance for Global developmental delay - lung cysts - overgrowth - Wilms tumor syndrome. Last evaluated: 2024-03-10. Review status: criteria provided, single submitter. Criteria: ACMG Guidelines, 2015. Collection method: clinical testing. Allele origin: unknown.

Quest Diagnostics Nichols Institute San Juan Capistrano
Classification: Uncertain significance. Last evaluated: 2023-11-22. Review status: criteria provided, single submitter. Criteria: Quest Diagnostics criteria. Collection method: clinical testing. Allele origin: unknown.
Comment: The DICER1 c.3791C>T (p.Thr1264Met) variant has not been reported in individuals with DICER1-related conditions in the published literature. The frequency of this variant in the general population, 0.00012 (3/24960 chromosomes (Genome Aggregation Database)), is uninformative in the assessment of its pathogenicity. Analysis of this variant using bioinformatics tools for the prediction of the effect of amino acid changes on protein structure and function yielded predictions that this variant is benign. Based on the available information, we are unable to determine the clinical significance of this variant.